The following is an entry in ClinVar:

NM_001378454.1(ALMS1):c.12362+3A>G

Gene: ALMS1 (ALMS1 centrosome and basal body associated protein; plus strand). Cytogenetic location: 2p13.1.
Variant type: single nucleotide variant.
Coding change: c.12362+3A>G on transcript NM_001378454.1 (MANE Select); 3 bases into the intron after coding-DNA position 12362, A replaced by G.
Molecular consequence: intron variant.
Genome position (GRCh38, 1-based): chr2:73,603,307, A>G. VCF-style: chr2-73603307-A-G. GRCh37 (hg19) VCF-style: chr2-73830434-A-G.
Other names: c.12362+3A>G (NM_015120.4).
Identifiers: ClinVar variation 2053903 (VCV002053903.4), dbSNP rs973152517, ClinGen allele CA50338637.

ClinVar aggregate classification (germline): Uncertain significance (1 of 4 stars; one submission).

Conditions:
Alstrom syndrome (ALMS). Identifiers: Orphanet 64, MedGen C0268425, MONDO:0008763, OMIM 203800.

Allele frequency attached by ClinVar (database versions not stated): TOPMed below 0.00001.

Submission:

Labcorp Genetics (formerly Invitae), Labcorp
Classification: Uncertain significance for Alstrom syndrome. Last evaluated: 2022-05-14. Review status: criteria provided, single submitter. Criteria: Invitae Variant Classification Sherloc (09022015). Collection method: clinical testing. Allele origin: germline.
Comment: In summary, the available evidence is currently insufficient to determine the role of this variant in disease. Therefore, it has been classified as a Variant of Uncertain Significance. Variants that disrupt the consensus splice site are a relatively common cause of aberrant splicing (PMID: 17576681, 9536098). Algorithms developed to predict the effect of sequence changes on RNA splicing suggest that this variant may create or strengthen a splice site. This variant has not been reported in the literature in individuals affected with ALMS1-related conditions. This variant is not present in population databases (gnomAD no frequency). This sequence change falls in intron 21 of the ALMS1 gene. It does not directly change the encoded amino acid sequence of the ALMS1 protein. It affects a nucleotide within the consensus splice site.

Literature cited by the submitters: PubMed 17576681; PubMed 9536098.